The following is an entry in ClinVar:

NM_020184.4(CNNM4):c.967C>T (p.Leu323Phe)

Gene: CNNM4 (cyclin and CBS domain divalent metal cation transport mediator 4; plus strand). Cytogenetic location: 2q11.2.
Variant type: single nucleotide variant.
Coding change: c.967C>T on transcript NM_020184.4 (MANE Select); coding-DNA position 967, C replaced by T.
Protein change: p.Leu323Phe; replaces leucine 323 with phenylalanine.
Molecular consequence: missense variant.
Genome position (GRCh38, 1-based): chr2:96,761,966, C>T. VCF-style: chr2-96761966-C-T. GRCh37 (hg19) VCF-style: chr2-97427703-C-T.
Other names: short protein forms L323F.
Identifiers: ClinVar variation 849599 (VCV000849599.9), dbSNP rs367842804, ClinGen allele CA1783278.

ClinVar aggregate classification (germline): Uncertain significance. Review status: criteria provided, multiple submitters, no conflicts (2 of 4 stars). 3 submissions from 3 submitters: Uncertain significance (3). Last evaluated 2026-06-24.

Conditions:
Inborn genetic diseases. Identifiers: MedGen C0950123, MeSH D030342.
CNNM4-related disorder. Also called: CNNM4-related condition.

Allele frequency attached by ClinVar (database versions not stated): gnomAD exomes 0.00001 and 0.00006; ExAC 0.00002; TOPMed 0.00004; gnomAD 0.00005 and 0.00006; ESP Exome Variant Server 0.00008.
gnomAD v4.1: 98 of 1,614,072 alleles (0.0061%); highest among the groups gnomAD compares: Non-Finnish European, 0.0077%; no homozygotes.

Submissions (3):

PreventionGenetics, part of Exact Sciences
Classification: Uncertain significance for CNNM4-related condition. Last evaluated: 2026-06-24. Review status: criteria provided, single submitter. Criteria: ACMG Guidelines, 2015. Collection method: clinical testing. Allele origin: germline.
Comment: The CNNM4 c.967C>T variant is predicted to result in the amino acid substitution p.Leu323Phe. To our knowledge, this variant has not been reported in the literature. This variant is reported in 0.0080% of alleles in individuals of African descent in gnomAD. At this time, the clinical significance of this variant is uncertain due to the absence of conclusive functional and genetic evidence.

Ambry Genetics
Classification: Uncertain significance for Inborn genetic diseases. Last evaluated: 2023-09-14. Review status: criteria provided, single submitter. Criteria: Ambry Variant Classification Scheme 2023. Collection method: clinical testing. Allele origin: germline.

Labcorp Genetics (formerly Invitae), Labcorp
Classification: Uncertain significance. Last evaluated: 2021-08-31. Review status: criteria provided, single submitter. Criteria: Invitae Variant Classification Sherloc (09022015). Collection method: clinical testing. Allele origin: germline.
Comment: This sequence change replaces leucine with phenylalanine at codon 323 of the CNNM4 protein (p.Leu323Phe). The leucine residue is highly conserved and there is a small physicochemical difference between leucine and phenylalanine. This variant is present in population databases (rs367842804, ExAC 0.01%). This variant has not been reported in the literature in individuals affected with CNNM4-related conditions. Algorithms developed to predict the effect of missense changes on protein structure and function are either unavailable or do not agree on the potential impact of this missense change (SIFT: "Deleterious"; PolyPhen-2: "Possibly Damaging"; Align-GVGD: "Class C0"). In summary, the available evidence is currently insufficient to determine the role of this variant in disease. Therefore, it has been classified as a Variant of Uncertain Significance.